The following is an entry in ClinVar:

ClinVar aggregate classification (germline): Uncertain significance. Review status: criteria provided, multiple submitters, no conflicts (2 of 4 stars). 2 submissions from 2 submitters: Uncertain significance (2). Last evaluated 2024-08-08.

Conditions:
Hereditary cancer-predisposing syndrome. Also called: Hereditary Cancer Syndrome; Tumor predisposition; Neoplastic Syndromes, Hereditary; Hereditary neoplastic syndrome. Identifiers: Orphanet 140162, MedGen C0027672, MeSH D009386, MONDO:0015356.
DICER1-related tumor predisposition. Also called: DICER1-related pleuropulmonary blastoma cancer predisposition syndrome; DICER1 syndrome. Identifiers: Orphanet 284343, MedGen C3839822, MONDO:0100216.

Allele frequency attached by ClinVar (database versions not stated): TOPMed 0.00001; gnomAD 0.00003.
gnomAD v4.1: 1 of 1,613,988 alleles (0.000062%); highest among the groups gnomAD compares: Non-Finnish European, 0.000085%; no homozygotes.

Submissions (2):

Labcorp Genetics (formerly Invitae), Labcorp
Classification: Uncertain significance for DICER1-related tumor predisposition. Last evaluated: 2024-08-08. Review status: criteria provided, single submitter. Criteria: Invitae Variant Classification Sherloc (09022015). Collection method: clinical testing. Allele origin: germline.
Comment: This sequence change replaces leucine, which is neutral and non-polar, with valine, which is neutral and non-polar, at codon 1777 of the DICER1 protein (p.Leu1777Val). This variant is present in population databases (no rsID available, gnomAD 0.007%). This variant has not been reported in the literature in individuals affected with DICER1-related conditions. ClinVar contains an entry for this variant (Variation ID: 652030). Advanced modeling of protein sequence and biophysical properties (such as structural, functional, and spatial information, amino acid conservation, physicochemical variation, residue mobility, and thermodynamic stability) performed at Invitae indicates that this missense variant is not expected to disrupt DICER1 protein function with a negative predictive value of 80%. In summary, the available evidence is currently insufficient to determine the role of this variant in disease. Therefore, it has been classified as a Variant of Uncertain Significance.

Ambry Genetics
Classification: Uncertain significance for Hereditary cancer-predisposing syndrome. Last evaluated: 2023-12-01. Review status: criteria provided, single submitter. Criteria: Ambry Variant Classification Scheme 2023. Collection method: clinical testing. Allele origin: germline.
Comment: The p.L1777V variant (also known as c.5329C>G), located in coding exon 23 of the DICER1 gene, results from a C to G substitution at nucleotide position 5329. The leucine at codon 1777 is replaced by valine, an amino acid with highly similar properties. This amino acid position is conserved. In addition, this alteration is predicted to be tolerated by in silico analysis. Since supporting evidence is limited at this time, the clinical significance of this alteration remains unclear.

NM_177438.3(DICER1):c.5329C>G (p.Leu1777Val)

Gene: DICER1 (dicer 1, ribonuclease III; minus strand). Cytogenetic location: 14q32.13.
Variant type: single nucleotide variant.
Coding change: c.5329C>G on transcript NM_177438.3 (MANE Select); coding-DNA position 5329, C replaced by G.
Protein change: p.Leu1777Val; replaces leucine 1777 with valine.
Molecular consequence: missense variant.
Genome position (GRCh38, 1-based): chr14:95,093,923, G>C on the plus strand (C>G on the coding strand, the complement: DICER1 is on the minus strand). VCF-style: chr14-95093923-G-C. GRCh37 (hg19) VCF-style: chr14-95560260-G-C.
Other names: c.5329C>G, p.Leu1777Val (NM_001195573.1, NM_001271282.3, NM_001291628.2 and 1 more transcripts); short protein forms L1777V.
Identifiers: ClinVar variation 652030 (VCV000652030.13), dbSNP rs183879938, ClinGen allele CA390864931.